The following is an entry in ClinVar:

NM_001371986.1(UNC80):c.5168_5171dup (p.Trp1725fs)

Genes: UNC80 (unc-80 subunit of NALCN channel complex; plus strand), LOC126806490 (P300/CBP strongly-dependent group 1 enhancer GRCh37_chr2:210782411-210783610; plus strand). Cytogenetic location: 2q34.
Variant type: Duplication.
Coding change: c.5168_5171dup on transcript NM_001371986.1 (MANE Select); coding-DNA positions 5168 to 5171, 4 bases duplicated (AGGT; older notation c.5168_5171dupAGGT).
Protein change: p.Trp1725fs; shifts the reading frame from tryptophan 1725.
Molecular consequence: frameshift variant.
Genome position (GRCh38, 1-based): chr2:209,917,915-209,917,918, AGGT duplicated. VCF-style (leftmost placement, unchanged base first): chr2-209917914-C-CAGGT. GRCh37 (hg19) VCF-style: chr2-210782638-C-CAGGT.
Other names: c.4955_4958dup, p.Trp1654fs (NM_182587.4); c.4970_4973dup, p.Trp1659fs (NM_032504.2); short protein forms W1659fs, W1725fs, W1654fs.
Identifiers: ClinVar variation 3647423 (VCV003647423.2).

ClinVar aggregate classification (germline): Pathogenic (1 of 4 stars; one submission).

Submission:

Labcorp Genetics (formerly Invitae), Labcorp
Classification: Pathogenic. Last evaluated: 2024-03-24. Review status: criteria provided, single submitter. Criteria: Invitae Variant Classification Sherloc (09022015). Collection method: clinical testing. Allele origin: germline.
Comment: This sequence change creates a premature translational stop signal (p.Trp1659Glyfs*14) in the UNC80 gene. It is expected to result in an absent or disrupted protein product. Loss-of-function variants in UNC80 are known to be pathogenic (PMID: 26545877, 26708751, 26708753). This variant is not present in population databases (gnomAD no frequency). This variant has not been reported in the literature in individuals affected with UNC80-related conditions. Algorithms developed to predict the effect of sequence changes on RNA splicing suggest that this variant may disrupt the consensus splice site. For these reasons, this variant has been classified as Pathogenic.

Literature cited by the submitters: PubMed 26545877; PubMed 26708751; PubMed 26708753.